The following is an entry in ClinVar:

NM_018136.5(ASPM):c.2557A>C (p.Asn853His)

Gene: ASPM (assembly factor for spindle microtubules; minus strand). Cytogenetic location: 1q31.3.
Variant type: single nucleotide variant.
Coding change: c.2557A>C on transcript NM_018136.5 (MANE Select); coding-DNA position 2557, A replaced by C.
Protein change: p.Asn853His; replaces asparagine 853 with histidine.
Molecular consequence: missense variant.
Genome position (GRCh38, 1-based): chr1:197,129,987, T>G on the plus strand (A>C on the coding strand, the complement: ASPM is on the minus strand). VCF-style: chr1-197129987-T-G. GRCh37 (hg19) VCF-style: chr1-197099117-T-G.
Other names: c.2557A>C, p.Asn853His (NM_001206846.2); short protein forms N853H.
Identifiers: ClinVar variation 501987 (VCV000501987.9), dbSNP rs1553226464, ClinGen allele CA344049847.

ClinVar aggregate classification (germline): Uncertain significance. Review status: criteria provided, multiple submitters, no conflicts (2 of 4 stars). 4 submissions from 4 submitters: Uncertain significance (4). Last evaluated 2025-09-25.

Conditions:
Inborn genetic diseases. Identifiers: MedGen C0950123, MeSH D030342.
Microcephaly 5, primary, autosomal recessive (MCPH5). Also called: ASPM Primary Microcephaly. Identifiers: Orphanet 2512, MedGen C1837501, MONDO:0012106, OMIM 608716.

Allele frequency attached by ClinVar (database versions not stated): gnomAD exomes below 0.00001; TOPMed 0.00001.
gnomAD v4.1: 1 of 1,613,950 alleles (0.000062%); highest among the groups gnomAD compares: African/African-American, 0.0013%; no homozygotes.

Submissions (4):

Ambry Genetics
Classification: Uncertain significance for Inborn genetic diseases. Last evaluated: 2025-09-25. Review status: criteria provided, single submitter. Criteria: Ambry Variant Classification Scheme 2023. Collection method: clinical testing. Allele origin: germline.

Genome-Nilou Lab
Classification: Uncertain significance for Microcephaly 5, primary, autosomal recessive. Last evaluated: 2023-04-11. Review status: criteria provided, single submitter. Criteria: ACMG Guidelines, 2015. Collection method: clinical testing. Allele origin: germline. Affected: no.

GeneDx
Classification: Uncertain significance. Last evaluated: 2019-12-04. Review status: criteria provided, single submitter. Criteria: GeneDx Variant Classification Process June 2021. Collection method: clinical testing. Allele origin: germline. Affected: yes.
Comment: Not observed in large population cohorts (Lek et al., 2016); In silico analysis, which includes protein predictors and evolutionary conservation, supports a deleterious effect; Has not been previously published as pathogenic or benign to our knowledge

Eurofins Ntd Llc (ga)
Classification: Uncertain significance. Last evaluated: 2017-05-23. Review status: criteria provided, single submitter. Criteria: EGL Classification Definitions 2015. Collection method: clinical testing. Allele origin: germline. Observed: 1 variant allele, 1 heterozygote.